The following is an entry in ClinVar:

ClinVar aggregate classification (somatic clinical impact): Tier I - Strong (1 of 4 stars; one submission).

Conditions:
Ependymoma. Also called: Ependymoma, familial; Clear cell ependymoma (histologic variant); Papillary ependymoma (histologic variant); Cellular ependymoma (histologic variant); Tanycytic ependymoma (histologic variant). Identifiers: Orphanet 251636, MedGen C0014474, MeSH D004806, MONDO:0016698, HP:0002888.

Submission:

Institute for Genomic Medicine (IGM) Clinical Laboratory, Nationwide Children's Hospital
Classification: Tier I - Strong for Ependymoma. Assertion type: diagnostic. Clinical significance: supports diagnosis. Last evaluated: 2023-05-02. Review status: criteria provided, single submitter. Criteria: AMP/ASCO/CAP Guidelines, 2017. Collection method: clinical testing. Allele origin: somatic. Affected: yes.
Comment: Variant has Tier I (strong) clinical significance as a diagnostic inclusion criterion in ependymoma, based on the following evidence: 1) Appears in one or more well-established professional guidelines (e.g., World Health Organization [WHO]; National Comprehensive Cancer Network [NCCN]) as providing diagnostic, prognostic, or therapeutic information. 2) Information in the literature supports potential biologic effect of variant (PMIDs: 23539183, 24183680). 3) Diagnostic for a specific tumor type/classification based on well-powered studies with expert-level consensus (Evidence Level B; PMIDs: 29909548, 36104744, 27539613, 28623522).

Literature cited by the submitters: PubMed 23539183; PubMed 24183680; PubMed 29909548; PubMed 36104744; PubMed 27539613; PubMed 28623522.

NM_003533.3(H3C11):c.83A>T (p.Lys28Met)

Gene: H3C11 (H3 clustered histone 11; minus strand). Cytogenetic location: 6p22.1.
Variant type: single nucleotide variant.
Coding change: c.83A>T on transcript NM_003533.3 (MANE Select); coding-DNA position 83, A replaced by T.
Protein change: p.Lys28Met; replaces lysine 28 with methionine.
Molecular consequence: missense variant.
Genome position (GRCh38, 1-based): chr6:27,872,233, T>A on the plus strand (A>T on the coding strand, the complement: H3C11 is on the minus strand). VCF-style: chr6-27872233-T-A. GRCh37 (hg19) VCF-style: chr6-27840011-T-A.
Other names: short protein forms K28M.
Identifiers: ClinVar variation 4530463 (VCV004530463.1), dbSNP rs1057519904.